The following is an entry in ClinVar:

ClinVar aggregate classification (germline): Uncertain significance (1 of 4 stars; one submission).

Conditions:
Autosomal recessive limb-girdle muscular dystrophy type 2B (LGMDR2). Also called: MUSCULAR DYSTROPHY, LIMB-GIRDLE, TYPE 3; Limb-girdle muscular dystrophy, type 2B; MUSCULAR DYSTROPHY, LIMB-GIRDLE, AUTOSOMAL RECESSIVE 2; Limb-Girdle Muscular Dystrophy Type 2B (LGMD2B). Identifiers: Orphanet 268, MedGen C1850889, MONDO:0009676, OMIM 253601.

Submission:

3billion
Classification: Uncertain significance for Autosomal recessive limb-girdle muscular dystrophy type 2B. Last evaluated: 2024-11-08. Review status: criteria provided, single submitter. Criteria: ACMG Guidelines, 2015. Collection method: clinical testing. Allele origin: germline. Affected: yes.
Comment: The variant is not observed in the gnomAD v4.1.0 dataset. Predicted Consequence/Location: Missense variant. The majority of the known disease-causing variants of this gene are variants expected to result in premature termination of the protein. In silico tool predictions suggest damaging effect of the variant on gene or gene product [REVEL: 0.91 (>=0.6, sensitivity 0.68 and specificity 0.92); 3Cnet: 0.99 (>=0.6, sensitivity 0.72 and precision 0.9)]. A different missense change at the same codon (p.Glu1805Lys) has been reported as pathogenic/likely pathogenic with strong evidence (ClinVar ID: VCV002441107 /PMID: 36319958). Therefore, this variant is classified as VUS according to the recommendation of ACMG/AMP guideline.

Literature cited by the submitters: PubMed 36319958.

NM_001130987.2(DYSF):c.5414A>T (p.Glu1805Val)

Gene: DYSF (dysferlin; plus strand). Cytogenetic location: 2p13.2.
Variant type: single nucleotide variant.
Coding change: c.5414A>T on transcript NM_001130987.2 (MANE Select); coding-DNA position 5414, A replaced by T.
Protein change: p.Glu1805Val; replaces glutamic acid 1805 with valine.
Molecular consequence: missense variant.
Genome position (GRCh38, 1-based): chr2:71,667,472, A>T. VCF-style: chr2-71667472-A-T. GRCh37 (hg19) VCF-style: chr2-71894602-A-T.
Other names: c.5300A>T, p.Glu1767Val (NM_001130455.2); c.5255A>T, p.Glu1752Val (NM_001130976.2); c.5318A>T, p.Glu1773Val (NM_001130977.2); c.5360A>T, p.Glu1787Val (NM_001130978.2); c.5390A>T, p.Glu1797Val (NM_001130979.2); c.5348A>T, p.Glu1783Val (NM_001130980.2); c.5411A>T, p.Glu1804Val (NM_001130981.2); c.5393A>T, p.Glu1798Val (NM_001130982.2); and 5 more; short protein forms E1752V, E1753V, E1766V, E1767V, E1773V, E1774V, E1783V, E1784V.
Identifiers: ClinVar variation 4293745 (VCV004293745.1).